The following is an entry in ClinVar:

NM_000067.3(CA2):c.143_146del (p.Ser48fs)

Gene: CA2 (carbonic anhydrase 2; plus strand). Cytogenetic location: 8q21.2.
Variant type: Microsatellite.
Coding change: c.143_146del on transcript NM_000067.3 (MANE Select); coding-DNA positions 143 to 146, 4 bases deleted (CTGT; older notation c.143_146delCTGT).
Protein change: p.Ser48fs; shifts the reading frame from serine 48.
Molecular consequence: frameshift variant. On other transcripts: 5 prime UTR variant (1).
Genome position (GRCh38, 1-based): chr8:85,465,380-85,465,383, CTGT deleted; deleting any 4 consecutive bases within chr8:85,465,376-85,465,383 gives the same sequence; the c. name uses the placement nearest the transcript's 3' end. VCF-style (leftmost placement, unchanged base first): chr8-85465375-CCTGT-C. GRCh37 (hg19) VCF-style: chr8-86377604-CCTGT-C.
Other names: c.-46CTGT[1] (NM_001293675.2); short protein forms S48fs.
Identifiers: ClinVar variation 632526 (VCV000632526.11), dbSNP rs1564077060, ClinGen allele CA913189574.

ClinVar aggregate classification (germline): Pathogenic (1 of 4 stars; one submission).

Submission:

Labcorp Genetics (formerly Invitae), Labcorp
Classification: Pathogenic. Last evaluated: 2021-05-28. Review status: criteria provided, single submitter. Criteria: Invitae Variant Classification Sherloc (09022015). Collection method: clinical testing. Allele origin: germline.
Comment: This sequence change creates a premature translational stop signal (p.Ser48Phefs*9) in the CA2 gene. It is expected to result in an absent or disrupted protein product. Loss-of-function variants in CA2 are known to be pathogenic (PMID: 15300855). This variant is not present in population databases (ExAC no frequency). This variant has been observed in individual(s) with clinical features of carbonic anhydrase 2 deficiency (PMID: 9143915, 31061753). For these reasons, this variant has been classified as Pathogenic.

Literature cited by the submitters: PubMed 15300855; PubMed 9143915; PubMed 31061753.